The following is an entry in ClinVar:

ClinVar aggregate classification (germline): Conflicting classifications of pathogenicity. Review status: criteria provided, conflicting classifications (1 of 4 stars). 9 submissions from 9 submitters: Uncertain significance (1); Likely benign (6). 2 of the submissions do not count toward it. Last evaluated 2026-01-28.

Conditions:
RAD51D-related disorder. Also called: RAD51D-related condition.
Hereditary cancer-predisposing syndrome. Also called: Neoplastic Syndromes, Hereditary; Hereditary neoplastic syndrome; Tumor predisposition; Hereditary Cancer Syndrome. Identifiers: Orphanet 140162, MedGen C0027672, MeSH D009386, MONDO:0015356.
Breast-ovarian cancer, familial, susceptibility to, 4. Identifiers: Orphanet 145, MedGen C3280345, MONDO:0013669, OMIM 614291.

Allele frequency attached by ClinVar (database versions not stated): TOPMed 0.00002; gnomAD 0.00003; ExAC 0.00004; gnomAD exomes 0.00004.
gnomAD v4.1: 29 of 1,606,102 alleles (0.0018%); highest among the groups gnomAD compares: South Asian, 0.0089%; no homozygotes.

Submissions (9):

Labcorp Genetics (formerly Invitae), Labcorp
Classification: Likely benign for Breast-ovarian cancer, familial, susceptibility to, 4. Last evaluated: 2026-01-28. Review status: criteria provided, single submitter. Criteria: Invitae Variant Classification Sherloc (09022015). Collection method: clinical testing. Allele origin: germline.

Women's Health and Genetics/Laboratory Corporation of America, LabCorp
Classification: Likely benign. Last evaluated: 2025-04-29. Review status: criteria provided, single submitter. Criteria: LabCorp Variant Classification Summary - May 2015. Collection method: clinical testing. Allele origin: germline.
Comment: Variant summary: RAD51D c.481-8C>T alters a nucleotide located at a position not widely known to affect splicing. Consensus agreement among computation tools predict no significant impact on normal splicing. However, these predictions have yet to be confirmed by functional studies. The variant allele was found at a frequency of 1.8e-05 in 1599178 control chromosomes in the gnomAD database (v4.1 dataset). This frequency is not significantly higher than estimated for a pathogenic variant in RAD51D causing Hereditary Breast And Ovarian Cancer Syndrome (0.00013), allowing no conclusion about variant significance. To our knowledge, no occurrence of c.481-8C>T in individuals affected with Hereditary Breast And Ovarian Cancer Syndrome and no experimental evidence demonstrating its impact on protein function have been reported. ClinVar contains an entry for this variant (Variation ID: 239398). Based on the evidence outlined above, the variant was classified as likely benign.

Molecular Diagnostics Laboratory, Catalan Institute of Oncology
Classification: Uncertain significance for Hereditary cancer-predisposing syndrome. Last evaluated: 2024-10-20. Review status: criteria provided, single submitter. Criteria: ACMG Guidelines, 2015. Collection method: clinical testing. Allele origin: germline.
Comment: BP4 RAD51D c.481-8C>T is an intronic variant located close to a canonical splice site. This variant is found in 10/259676 alleles at a frequency of 0.0039% in the gnomAD v2.1.1 database, non-cancer dataset. The SpliceAI algorithm predicts no significant impact on splicing (BP4). To our knowledge, neither relevant clinical data nor well-stablished functional studies have been reported for this variant. It has been reported in the ClinVar database (7x likely benign, 1x uncertain significance) but it has not been identified in LOVD database. Based on the currently available information, c.481-8C>T is classified as an uncertain significance variant according to ACMG guidelines.

Myriad Genetics, Inc.
Classification: Likely benign for Breast-ovarian cancer, familial, susceptibility to, 4. Last evaluated: 2023-04-06. Review status: criteria provided, single submitter. Criteria: Myriad Autosomal Dominant, Autosomal Recessive and X-Linked Classification Criteria (2023). Collection method: clinical testing. Allele origin: unknown.
Comment: This variant is considered likely benign. This variant is intronic and is not expected to impact mRNA splicing.

GeneDx
Classification: Likely benign. Last evaluated: 2019-08-07. Review status: criteria provided, single submitter. Criteria: GeneDx Variant Classification Process June 2021. Collection method: clinical testing. Allele origin: germline. Affected: yes.

Mendelics
Classification: Likely benign for Breast-ovarian cancer, familial, susceptibility to, 4. Last evaluated: 2019-05-28. Review status: criteria provided, single submitter. Criteria: Mendelics Assertion Criteria 2017. Collection method: clinical testing. Allele origin: unknown.

Color Diagnostics, LLC DBA Color Health
Classification: Likely benign for Hereditary cancer-predisposing syndrome. Last evaluated: 2016-05-02. Review status: criteria provided, single submitter. Criteria: ACMG Guidelines, 2015. Collection method: clinical testing. Allele origin: germline.

PreventionGenetics, part of Exact Sciences
Classification: Likely benign for RAD51D-related condition. Last evaluated: 2022-09-19. Review status: no assertion criteria provided. Collection method: clinical testing. Allele origin: germline. Not counted in ClinVar's aggregate classification.
Comment: This variant is classified as likely benign based on ACMG/AMP sequence variant interpretation guidelines (Richards et al. 2015 PMID: 25741868, with internal and published modifications).

Counsyl
Classification: Likely benign for Breast-ovarian cancer, familial, susceptibility to, 4. Last evaluated: 2018-04-27. Review status: no assertion criteria provided. Collection method: clinical testing. Allele origin: unknown. Not counted in ClinVar's aggregate classification.

Literature cited by the submitters: PubMed 26057125 (cited by Counsyl).

NM_002878.4(RAD51D):c.481-8C>T

Genes: RAD51D (RAD51 paralog D; minus strand), RAD51L3-RFFL (RAD51L3-RFFL readthrough; minus strand). Cytogenetic location: 17q12.
Variant type: single nucleotide variant.
Coding change: c.481-8C>T on transcript NM_002878.4 (MANE Select); 8 bases into the intron before coding-DNA position 481, C replaced by T.
Molecular consequence: intron variant.
Genome position (GRCh38, 1-based): chr17:35,106,489, G>A on the plus strand (C>T on the coding strand, the complement: RAD51D is on the minus strand). VCF-style: chr17-35106489-G-A. GRCh37 (hg19) VCF-style: chr17-33433508-G-A.
Other names: c.145-8C>T (NM_133629.3); c.541-8C>T (NM_001142571.2).
Identifiers: ClinVar variation 239398 (VCV000239398.23), dbSNP rs762247126, ClinGen allele CA8499455.